The following is an entry in ClinVar:

ClinVar aggregate classification (germline): Conflicting classifications of pathogenicity. Review status: criteria provided, conflicting classifications (1 of 4 stars). 3 submissions from 3 submitters: Uncertain significance (1); Benign (2). Last evaluated 2026-01-24.

Conditions:
Hereditary spastic paraplegia 7 (SPG7). Also called: SPG7-related neurologic disorder; Spastic paraplegia 7; Hereditary spastic paraplegia Paraplegin type; Autosomal recessive spastic paraplegia type 7; SPASTIC PARAPLEGIA 7, AUTOSOMAL RECESSIVE, WITH OR WITHOUT CEREBELLAR ATAXIA. Identifiers: Orphanet 99013, MedGen C1846564, MONDO:0011803, OMIM 607259.

Allele frequency attached by ClinVar (database versions not stated): ExAC 0.00135; 1000 Genomes Project 30x 0.00234; TOPMed 0.00004; gnomAD 0.00001 and 0.00025; gnomAD exomes 0.00110 and 0.00047; 1000 Genomes Project 0.00300.
gnomAD v4.1: 720 of 1,600,880 alleles (0.045%); highest among the groups gnomAD compares: South Asian, 0.75%; 8 homozygotes.

Submissions (3):

Labcorp Genetics (formerly Invitae), Labcorp
Classification: Benign for Hereditary spastic paraplegia 7. Last evaluated: 2026-01-24. Review status: criteria provided, single submitter. Criteria: Invitae Variant Classification Sherloc (09022015). Collection method: clinical testing. Allele origin: germline.

Illumina Laboratory Services, Illumina
Classification: Uncertain significance for Hereditary spastic paraplegia 7. Last evaluated: 2018-01-13. Review status: criteria provided, single submitter. Criteria: ICSL Variant Classification Criteria 13 December 2019. Collection method: clinical testing. Allele origin: germline.

GeneDx
Classification: Benign. Last evaluated: 2014-04-07. Review status: criteria provided, single submitter. Criteria: GeneDx Variant Classification (06012015). Collection method: clinical testing. Allele origin: germline. Affected: yes.
Comment: This variant is considered likely benign or benign based on one or more of the following criteria: it is a conservative change, it occurs at a poorly conserved position in the protein, it is predicted to be benign by multiple in silico algorithms, and/or has population frequency not consistent with disease.

NM_003119.4(SPG7):c.1664-11C>A

Gene: SPG7 (SPG7 matrix AAA peptidase subunit, paraplegin; plus strand). Cytogenetic location: 16q24.3.
Variant type: single nucleotide variant.
Coding change: c.1664-11C>A on transcript NM_003119.4 (MANE Select); 11 bases into the intron before coding-DNA position 1664, C replaced by A.
Molecular consequence: intron variant.
Genome position (GRCh38, 1-based): chr16:89,550,483, C>A. VCF-style: chr16-89550483-C-A. GRCh37 (hg19) VCF-style: chr16-89616891-C-A.
Other names: c.1664-11C>A (NM_001363850.1).
Identifiers: ClinVar variation 139244 (VCV000139244.14), dbSNP rs574656941, ClinGen allele CA293669.